The following is an entry in ClinVar:

ClinVar aggregate classification (germline): Pathogenic (1 of 4 stars; one submission).

Conditions:
Hypertrophic cardiomyopathy. Also called: HYPERTROPHIC MYOCARDIOPATHY. Identifiers: Orphanet 217569, MedGen C0007194, MeSH D002312, MONDO:0005045, HP:0001639.

Submission:

Labcorp Genetics (formerly Invitae), Labcorp
Classification: Pathogenic for Hypertrophic cardiomyopathy. Last evaluated: 2018-03-01. Review status: criteria provided, single submitter. Criteria: Invitae Variant Classification Sherloc (09022015). Collection method: clinical testing. Allele origin: germline.
Comment: For these reasons, this variant has been classified as Pathogenic. Loss-of-function variants in MYBPC3 are known to be pathogenic (PMID: 19574547). This variant has not been reported in the literature in individuals with MYBPC3-related disease. This variant is not present in population databases (ExAC no frequency). This sequence change creates a premature translational stop signal (p.Val771Argfs*63) in the MYBPC3 gene. It is expected to result in an absent or disrupted protein product.

Literature cited by the submitters: PubMed 19574547.

NM_000256.3(MYBPC3):c.2306_2309dup (p.Val771fs)

Gene: MYBPC3 (myosin binding protein C3; minus strand). Cytogenetic location: 11p11.2.
Variant type: Duplication.
Coding change: c.2306_2309dup on transcript NM_000256.3 (MANE Select); coding-DNA positions 2306 to 2309, 4 bases duplicated (ATCG; older notation c.2306_2309dupATCG).
Protein change: p.Val771fs; shifts the reading frame from valine 771.
Molecular consequence: frameshift variant.
Genome position (GRCh38, 1-based): chr11:47,338,520-47,338,523, CGAT duplicated on the plus strand (ATCG on the coding strand, the reverse complement: MYBPC3 is on the minus strand). VCF-style (leftmost placement, unchanged base first): chr11-47338519-C-CCGAT. GRCh37 (hg19) VCF-style: chr11-47360070-C-CCGAT.
Other names: short protein forms V771fs.
Identifiers: ClinVar variation 581813 (VCV000581813.6), dbSNP rs1565625777, ClinGen allele CA891842474.
Genomic context (GRCh38, chr11:47,338,519, plus strand): 5'-GATGGGCCCTCCTTGGGGCTGCCCCTCTGTGTTCTCCAGCTTGGACCCCGGCCGGCCTCA[C>CCGAT]CGATGACCTTGACTGTGAGGTTGACCTGGTCCTCGCCCACAGGGTTCTTCACTGTGACCG-3'